The following is an entry in ClinVar:

ClinVar aggregate classification (germline): Uncertain significance. Review status: criteria provided, multiple submitters, no conflicts (2 of 4 stars). 3 submissions from 3 submitters: Uncertain significance (2). 1 of the submissions does not count toward it. Last evaluated 2024-10-14.

Conditions:
LRBA-related disorder. Also called: LRBA-related condition.
Combined immunodeficiency due to LRBA deficiency. Also called: Common variable immunodeficiency 8, with autoimmunity. Identifiers: Orphanet 445018, MedGen C3553512, MONDO:0013863, OMIM 614700.

Allele frequency attached by ClinVar (database versions not stated): gnomAD exomes 0.00002 and 0.00004; ExAC 0.00003; gnomAD 0.00003; TOPMed 0.00006; ESP Exome Variant Server 0.00008.
gnomAD v4.1: 61 of 1,613,728 alleles (0.0038%); highest among the groups gnomAD compares: Non-Finnish European, 0.005%; no homozygotes.

Submissions (3):

Blueprint Genetics
Classification: Uncertain significance. Last evaluated: 2024-10-14. Review status: criteria provided, single submitter. Criteria: ACMG Guidelines, 2015. Collection method: clinical testing. Allele origin: germline.

Labcorp Genetics (formerly Invitae), Labcorp
Classification: Uncertain significance for Combined immunodeficiency due to LRBA deficiency. Last evaluated: 2022-07-06. Review status: criteria provided, single submitter. Criteria: Invitae Variant Classification Sherloc (09022015). Collection method: clinical testing. Allele origin: germline.
Comment: This sequence change replaces isoleucine, which is neutral and non-polar, with valine, which is neutral and non-polar, at codon 1060 of the LRBA protein (p.Ile1060Val). This variant is present in population databases (rs151165043, gnomAD 0.004%). This variant has not been reported in the literature in individuals affected with LRBA-related conditions. ClinVar contains an entry for this variant (Variation ID: 861401). Algorithms developed to predict the effect of missense changes on protein structure and function output the following: SIFT: "Tolerated"; PolyPhen-2: "Benign"; Align-GVGD: "Class C0". The valine amino acid residue is found in multiple mammalian species, which suggests that this missense change does not adversely affect protein function. In summary, the available evidence is currently insufficient to determine the role of this variant in disease. Therefore, it has been classified as a Variant of Uncertain Significance.

PreventionGenetics, part of Exact Sciences
Classification: Uncertain significance for LRBA-related condition. Last evaluated: 2024-05-16. Review status: no assertion criteria provided. Collection method: clinical testing. Allele origin: germline. Not counted in ClinVar's aggregate classification.
Comment: The LRBA c.3178A>G variant is predicted to result in the amino acid substitution p.Ile1060Val. To our knowledge, this variant has not been reported in the literature. This variant is reported in 0.0044% of alleles in individuals of European (Non-Finnish) descent in gnomAD. At this time, the clinical significance of this variant is uncertain due to the absence of conclusive functional and genetic evidence.

NM_001364905.1(LRBA):c.3178A>G (p.Ile1060Val)

Gene: LRBA (LPS responsive beige-like anchor protein; minus strand). Cytogenetic location: 4q31.3.
Variant type: single nucleotide variant.
Coding change: c.3178A>G on transcript NM_001364905.1 (MANE Select); coding-DNA position 3178, A replaced by G.
Protein change: p.Ile1060Val; replaces isoleucine 1060 with valine.
Molecular consequence: missense variant.
Genome position (GRCh38, 1-based): chr4:150,852,532, T>C on the plus strand (A>G on the coding strand, the complement: LRBA is on the minus strand). VCF-style: chr4-150852532-T-C. GRCh37 (hg19) VCF-style: chr4-151773684-T-C.
Other names: c.3178A>G, p.Ile1060Val (NM_001199282.3, NM_001367550.1, NM_006726.5); short protein forms I1060V.
Identifiers: ClinVar variation 861401 (VCV000861401.9), dbSNP rs151165043, ClinGen allele CA3103085.